The following is an entry in ClinVar:

ClinVar aggregate classification (germline): Uncertain significance (1 of 4 stars; one submission).

Allele frequency attached by ClinVar (database versions not stated): gnomAD exomes below 0.00001 and 0.00001; gnomAD 0.00001; TOPMed 0.00001.
gnomAD v4.1: 9 of 1,614,108 alleles (0.00056%); highest among the groups gnomAD compares: East Asian, 0.0022%; no homozygotes.

Submission:

GeneDx
Classification: Uncertain significance. Last evaluated: 2017-10-17. Review status: criteria provided, single submitter. Criteria: GeneDx Variant Classification (06012015). Collection method: clinical testing. Allele origin: germline. Affected: yes.
Comment: The T3891I variant in the HERC2 gene has not been reported previously as a pathogenic variant, nor as a benign variant, to our knowledge. The T3891I variant is observed in 1/33580 (0.003%) alleles from individuals of Latino background, in the ExAC dataset (Lek et al., 2016). The T3891I variant is a non-conservative amino acid substitution, which is likely to impact secondary protein structure as these residues differ in polarity, charge, size and/or other properties. This substitution occurs at a position where amino acids with similar properties to Threonine are tolerated across species. In silico analysis predicts this variant is probably damaging to the protein structure/function. We interpret T3891I as a variant of uncertain significance.

NM_004667.6(HERC2):c.11672C>T (p.Thr3891Ile)

Gene: HERC2 (HECT and RLD domain containing E3 ubiquitin protein ligase 2; minus strand). Cytogenetic location: 15q13.1.
Variant type: single nucleotide variant.
Coding change: c.11672C>T on transcript NM_004667.6 (MANE Select); coding-DNA position 11672, C replaced by T.
Protein change: p.Thr3891Ile; replaces threonine 3891 with isoleucine.
Molecular consequence: missense variant.
Genome position (GRCh38, 1-based): chr15:28,142,266, G>A on the plus strand (C>T on the coding strand, the complement: HERC2 is on the minus strand). VCF-style: chr15-28142266-G-A. GRCh37 (hg19) VCF-style: chr15-28387412-G-A.
Other names: short protein forms T3891I.
Identifiers: ClinVar variation 452897 (VCV000452897.2), dbSNP rs1384957027, ClinGen allele CA391382125.